The following is an entry in ClinVar:

ClinVar aggregate classification (germline): Likely benign. Review status: criteria provided, multiple submitters, no conflicts (2 of 4 stars). 3 submissions from 3 submitters: Likely benign (3). Last evaluated 2025-09-17.

Conditions:
Neuropathy, hereditary sensory and autonomic, type 2A (HSAN2A). Also called: NEUROPATHY, CONGENITAL SENSORY; NEUROPATHY, HEREDITARY SENSORY RADICULAR, AUTOSOMAL RECESSIVE; NEUROPATHY, HEREDITARY SENSORY, TYPE IIA; NEUROPATHY, PROGRESSIVE SENSORY, OF CHILDREN; WNK1-Related HSAN2 (HSAN2A); MORVAN DISEASE. Identifiers: Orphanet 970, MedGen C2752089, MONDO:0024309, OMIM 201300.
Pseudohypoaldosteronism type 2C (PHA2C). Also called: Pseudohypoaldosteronism Type IIC. Identifiers: Orphanet 757, Orphanet 88940, MedGen C1840391, MONDO:0013778, OMIM 614492.

Allele frequency attached by ClinVar (database versions not stated): TOPMed 0.00002; gnomAD 0.00003; gnomAD exomes 0.00004 and 0.00005; ExAC 0.00007; ESP Exome Variant Server 0.00008.
gnomAD v4.1: 72 of 1,614,044 alleles (0.0045%); highest among the groups gnomAD compares: Admixed American, 0.0067%; no homozygotes.

Submissions (3):

Labcorp Genetics (formerly Invitae), Labcorp
Classification: Likely benign for Neuropathy, hereditary sensory and autonomic, type 2A; Pseudohypoaldosteronism type 2C. Last evaluated: 2025-09-17. Review status: criteria provided, single submitter. Criteria: Invitae Variant Classification Sherloc (09022015). Collection method: clinical testing. Allele origin: germline.

Mayo Clinic Laboratories, Mayo Clinic
Classification: Likely benign. Last evaluated: 2025-07-29. Review status: criteria provided, single submitter. Criteria: ACMG Guidelines, 2015. Collection method: clinical testing. Allele origin: germline. Observed: 1 variant allele.
Comment: BP4, BP7

Blueprint Genetics
Classification: Likely benign. Last evaluated: 2024-09-10. Review status: criteria provided, single submitter. Criteria: ACMG Guidelines, 2015. Collection method: clinical testing. Allele origin: germline.

NM_018979.4(WNK1):c.4380A>G (p.Ala1460=)

Gene: WNK1 (WNK lysine deficient protein kinase 1; plus strand). Cytogenetic location: 12p13.33.
Variant type: single nucleotide variant.
Coding change: c.4380A>G on transcript NM_018979.4 (MANE Select); coding-DNA position 4380, A replaced by G.
Protein change: p.Ala1460=; no amino-acid change (alanine 1460 retained).
Molecular consequence: synonymous variant.
Genome position (GRCh38, 1-based): chr12:885,184, A>G. VCF-style: chr12-885184-A-G. GRCh37 (hg19) VCF-style: chr12-994350-A-G.
Other names: p.Ala1712=; c.5160A>G, p.Ala1720= (NM_001184985.2); c.3639A>G, p.Ala1213= (NM_014823.3); c.5136A>G, p.Ala1712= (NM_213655.5).
Identifiers: ClinVar variation 771294 (VCV000771294.12), dbSNP rs200205583, ClinGen allele CA6382963.
Genomic context (GRCh38, chr12:885,184, plus strand): 5'-CGTTGTTTCTAGTACAGCACTGTATCCTTCAGTAACAGTTTCAGCAACTTCAGCCTCTGC[A>G]GGGGGCAGTACTGCTACCCCAGGTCCTAAGCCTCCAGCTGTAGTATCTCAGCAGGCAGCA-3'
Protein context (NP_061852.3, residues 1450-1470): SVTVSATSAS[Ala1460=]GGSTATPGPK